The following is an entry in ClinVar:

NM_001130987.2(DYSF):c.3052T>G (p.Ser1018Ala)

Gene: DYSF (dysferlin; plus strand). Cytogenetic location: 2p13.2.
Variant type: single nucleotide variant.
Coding change: c.3052T>G on transcript NM_001130987.2 (MANE Select); coding-DNA position 3052, T replaced by G.
Protein change: p.Ser1018Ala; replaces serine 1018 with alanine.
Molecular consequence: missense variant.
Genome position (GRCh38, 1-based): chr2:71,570,301, T>G. VCF-style: chr2-71570301-T-G. GRCh37 (hg19) VCF-style: chr2-71797431-T-G.
Other names: c.3001T>G, p.Ser1001Ala (NM_001130455.2, NM_001130983.2); c.2956T>G, p.Ser986Ala (NM_001130976.2, NM_001130977.2); c.2998T>G, p.Ser1000Ala (NM_001130978.2, NM_003494.4); c.3091T>G, p.Ser1031Ala (NM_001130979.2); c.3049T>G, p.Ser1017Ala (NM_001130980.2, NM_001130981.2); c.3094T>G, p.Ser1032Ala (NM_001130982.2); c.2959T>G, p.Ser987Ala (NM_001130984.2, NM_001130986.2); c.3052T>G, p.Ser1018Ala (NM_001130985.2); short protein forms S1000A, S1018A, S1032A, S987A, S1001A, S1017A, S1031A, S986A.
Identifiers: ClinVar variation 336963 (VCV000336963.10), dbSNP rs886042550, ClinGen allele CA10615901.

ClinVar aggregate classification (germline): Uncertain significance. Review status: criteria provided, multiple submitters, no conflicts (2 of 4 stars). 4 submissions from 4 submitters: Uncertain significance (4). Last evaluated 2025-08-09.

Conditions:
Neuromuscular disease caused by qualitative or quantitative defects of dysferlin. Also called: Dysferlinopathy; Qualitative or quantitative defects of dysferlin. Identifiers: Orphanet 207073, MedGen C2931687, MONDO:0016145.
Inborn genetic diseases. Identifiers: MedGen C0950123, MeSH D030342.

Allele frequency attached by ClinVar (database versions not stated): TOPMed below 0.00001; gnomAD 0.00001.
gnomAD v4.1: 4 of 1,613,882 alleles (0.00025%); highest among the groups gnomAD compares: Non-Finnish European, 0.00034%; no homozygotes.

Submissions (4):

Ambry Genetics
Classification: Uncertain significance for Inborn genetic diseases. Last evaluated: 2025-08-09. Review status: criteria provided, single submitter. Criteria: Ambry Variant Classification Scheme 2023. Collection method: clinical testing. Allele origin: germline.

Revvity Omics, Revvity
Classification: Uncertain significance. Last evaluated: 2022-12-15. Review status: criteria provided, single submitter. Criteria: ACMG Guidelines, 2015. Collection method: clinical testing. Allele origin: germline.

Labcorp Genetics (formerly Invitae), Labcorp
Classification: Uncertain significance for Neuromuscular disease caused by qualitative or quantitative defects of dysferlin. Last evaluated: 2022-07-26. Review status: criteria provided, single submitter. Criteria: Invitae Variant Classification Sherloc (09022015). Collection method: clinical testing. Allele origin: germline.
Comment: This sequence change replaces serine, which is neutral and polar, with alanine, which is neutral and non-polar, at codon 1000 of the DYSF protein (p.Ser1000Ala). This variant is not present in population databases (gnomAD no frequency). This variant has not been reported in the literature in individuals affected with DYSF-related conditions. ClinVar contains an entry for this variant (Variation ID: 336963). Advanced modeling of protein sequence and biophysical properties (such as structural, functional, and spatial information, amino acid conservation, physicochemical variation, residue mobility, and thermodynamic stability) performed at Invitae indicates that this missense variant is not expected to disrupt DYSF protein function. In summary, the available evidence is currently insufficient to determine the role of this variant in disease. Therefore, it has been classified as a Variant of Uncertain Significance.

Illumina Laboratory Services, Illumina
Classification: Uncertain significance for Qualitative or quantitative defects of dysferlin. Last evaluated: 2018-01-12. Review status: criteria provided, single submitter. Criteria: ICSL Variant Classification Criteria 13 December 2019. Collection method: clinical testing. Allele origin: germline.